The following is an entry in ClinVar:

ClinVar aggregate classification (germline): Uncertain significance (1 of 4 stars; one submission).

Conditions:
Microcephaly, normal intelligence and immunodeficiency (NBS). Also called: Immunodeficiency, microcephaly with normal intelligence; Nijmegen breakage syndrome; Ataxia telangiectasia variant V1; SEEMANOVA SYNDROME II; BERLIN BREAKAGE SYNDROME; IMMUNODEFICIENCY, MICROCEPHALY, AND CHROMOSOMAL INSTABILITY. Identifiers: Orphanet 647, MedGen C0398791, MONDO:0009623, OMIM 251260.

Submission:

Labcorp Genetics (formerly Invitae), Labcorp
Classification: Uncertain significance for Microcephaly, normal intelligence and immunodeficiency. Last evaluated: 2020-05-15. Review status: criteria provided, single submitter. Criteria: Invitae Variant Classification Sherloc (09022015). Collection method: clinical testing. Allele origin: germline.
Comment: This variant has not been reported in the literature in individuals with NBN-related conditions. This variant is not present in population databases (ExAC no frequency). This sequence change replaces threonine with lysine at codon 273 of the NBN protein (p.Thr273Lys). The threonine residue is weakly conserved and there is a moderate physicochemical difference between threonine and lysine. Algorithms developed to predict the effect of missense changes on protein structure and function (SIFT, PolyPhen-2, Align-GVGD) all suggest that this variant is likely to be tolerated, but these predictions have not been confirmed by published functional studies and their clinical significance is uncertain. In summary, the available evidence is currently insufficient to determine the role of this variant in disease. Therefore, it has been classified as a Variant of Uncertain Significance.

NM_002485.5(NBN):c.818C>A (p.Thr273Lys)

Gene: NBN (nibrin; minus strand). Cytogenetic location: 8q21.3.
Variant type: single nucleotide variant.
Coding change: c.818C>A on transcript NM_002485.5 (MANE Select); coding-DNA position 818, C replaced by A.
Protein change: p.Thr273Lys; replaces threonine 273 with lysine.
Molecular consequence: missense variant.
Genome position (GRCh38, 1-based): chr8:89,970,442, G>T on the plus strand (C>A on the coding strand, the complement: NBN is on the minus strand). VCF-style: chr8-89970442-G-T. GRCh37 (hg19) VCF-style: chr8-90982670-G-T.
Other names: c.572C>A, p.Thr191Lys (NM_001024688.3); short protein forms T191K, T273K.
Identifiers: ClinVar variation 958091 (VCV000958091.9), dbSNP rs1554563912, ClinGen allele CA371658545.